The following is an entry in ClinVar:

NM_001040108.2(MLH3):c.2573del (p.Leu858fs)

Gene: MLH3 (mutL homolog 3; minus strand). Cytogenetic location: 14q24.3.
Variant type: Deletion.
Coding change: c.2573del on transcript NM_001040108.2 (MANE Select); coding-DNA position 2573, one base deleted (T; older notation c.2573delT).
Protein change: p.Leu858fs; shifts the reading frame from leucine 858.
Molecular consequence: frameshift variant.
Genome position (GRCh38, 1-based): chr14:75,047,083, A deleted on the plus strand (T on the coding strand, the reverse complement: MLH3 is on the minus strand). VCF-style (leftmost placement, unchanged base first): chr14-75047082-GA-G. GRCh37 (hg19) VCF-style: chr14-75513785-GA-G.
Other names: c.2573del, p.Leu858fs (NM_014381.3); short protein forms L858fs.
Identifiers: ClinVar variation 1793276 (VCV001793276.4), dbSNP rs2503266573, ClinGen allele CA2580088768.

ClinVar aggregate classification (germline): Pathogenic (1 of 4 stars; one submission).

Submission:

Ambry Genetics
Classification: Pathogenic. Last evaluated: 2026-06-15. Review status: criteria provided, single submitter. Criteria: Ambry Variant Classification Scheme 2023. Collection method: clinical testing. Allele origin: germline.
Comment: The c.2573delT pathogenic mutation, located in coding exon 1 of the MLH3 gene, results from a deletion of one nucleotide at nucleotide position 2573, causing a translational frameshift with a predicted alternate stop codon (p.L858Pfs*16). This variant is considered to be rare based on population cohorts in the Genome Aggregation Database (gnomAD). This alteration is expected to result in loss of function by premature protein truncation or nonsense-mediated mRNA decay. As such, this alteration is interpreted as a disease-causing mutation.